The following is an entry in ClinVar:

NM_001267550.2(TTN):c.96883G>A (p.Val32295Met)

Genes: TTN (titin; minus strand), TTN-AS1 (TTN antisense RNA 1; plus strand), LOC126806421 (CDK7 strongly-dependent group 2 enhancer GRCh37_chr2:179407630-179408829; plus strand). Cytogenetic location: 2q31.2.
Variant type: single nucleotide variant.
Coding change: c.96883G>A on transcript NM_001267550.2 (MANE Select); coding-DNA position 96883, G replaced by A.
Protein change: p.Val32295Met; replaces valine 32295 with methionine.
Molecular consequence: missense variant.
Genome position (GRCh38, 1-based): chr2:178,543,090, C>T on the plus strand (G>A on the coding strand, the complement: TTN is on the minus strand). VCF-style: chr2-178543090-C-T. GRCh37 (hg19) VCF-style: chr2-179407817-C-T.
Other names: c.91960G>A, p.Val30654Met (NM_001256850.1); c.69688G>A, p.Val23230Met (NM_003319.4); c.89179G>A, p.Val29727Met (NM_133378.4); c.70063G>A, p.Val23355Met (NM_133432.3); c.70264G>A, p.Val23422Met (NM_133437.4); short protein forms V29727M, V32295M, V30654M, V23230M, V23422M, V23355M.
Identifiers: ClinVar variation 499885 (VCV000499885.22), dbSNP rs199532781, ClinGen allele CA1986695.

ClinVar aggregate classification (germline): Conflicting classifications of pathogenicity. Review status: criteria provided, conflicting classifications (1 of 4 stars). 7 submissions from 7 submitters: Uncertain significance (5); Likely benign (2). Last evaluated 2026-03-21.

Conditions:
TTN-related disorder. Also called: TTN-related condition; TTN-related disease; TTN-related disorders.

Allele frequency attached by ClinVar (database versions not stated): TOPMed 0.00004; gnomAD 0.00007 and 0.00009; gnomAD exomes 0.00007; ExAC 0.00010; ESP Exome Variant Server 0.00042.
gnomAD v4.1: 112 of 1,596,534 alleles (0.007%); highest among the groups gnomAD compares: South Asian, 0.026%; no homozygotes.

Submissions (7):

PreventionGenetics, part of Exact Sciences
Classification: Uncertain significance for TTN-related condition. Last evaluated: 2026-03-21. Review status: criteria provided, single submitter. Criteria: ACMG Guidelines, 2015. Collection method: clinical testing. Allele origin: germline.
Comment: The TTN c.96883G>A variant is predicted to result in the amino acid substitution p.Val32295Met. This variant has been reported in an individual with dilated cardiomyopathy (Table S3, Mazzarotto et al. 2020. PubMed ID: 31983221). This variant is reported in 0.026% of alleles in individuals of East Asian descent in gnomAD. At this time, the clinical significance of this variant is uncertain due to the absence of conclusive functional and genetic evidence.

Women's Health and Genetics/Laboratory Corporation of America, LabCorp
Classification: Uncertain significance. Last evaluated: 2025-04-18. Review status: criteria provided, single submitter. Criteria: LabCorp Variant Classification Summary - May 2015. Collection method: clinical testing. Allele origin: germline.
Comment: Variant summary: TTN c.89179G>A (p.Val29727Met) results in a conservative amino acid change located in the A-band domain of the encoded protein sequence. Three of five in-silico tools predict a damaging effect of the variant on protein function. The variant allele was found at a frequency of 6.6e-05 in 243132 control chromosomes. This frequency is not significantly higher than estimated for a pathogenic variant in TTN causing Limb-Girdle Muscular Dystrophy, Type 2J, allowing no conclusion about variant significance. c.89179G>A has been reported in the literature in at least one individual affected with Dilated cardiomyopathy (e.g. Mazzarotto_2020). These report(s) do not provide unequivocal conclusions about association of the variant with Limb-Girdle Muscular Dystrophy, Type 2J. To our knowledge, no experimental evidence demonstrating an impact on protein function has been reported. The following publication has been ascertained in the context of this evaluation (PMID: 31983221). ClinVar contains an entry for this variant (Variation ID: 499885). Based on the evidence outlined above, the variant was classified as uncertain significance.

CeGaT Center for Human Genetics Tuebingen
Classification: Uncertain significance. Last evaluated: 2025-02-01. Review status: criteria provided, single submitter. Criteria: CeGaT Center For Human Genetics Tuebingen Variant Classification Criteria Version 2. Collection method: clinical testing. Allele origin: germline. Affected: yes. Observed: 1 variant allele.
Comment: TTN: PM2

Blueprint Genetics
Classification: Likely benign. Last evaluated: 2024-09-09. Review status: criteria provided, single submitter. Criteria: ACMG Guidelines, 2015. Collection method: clinical testing. Allele origin: germline.

Revvity Omics, Revvity
Classification: Uncertain significance. Last evaluated: 2023-08-15. Review status: criteria provided, single submitter. Criteria: ACMG Guidelines, 2015. Collection method: clinical testing. Allele origin: germline.

GeneDx
Classification: Likely benign. Last evaluated: 2020-10-15. Review status: criteria provided, single submitter. Criteria: GeneDx Variant Classification Process June 2021. Collection method: clinical testing. Allele origin: germline. Affected: yes.
Comment: This variant is associated with the following publications: (PMID: 31983221)

Eurofins Ntd Llc (ga)
Classification: Uncertain significance. Last evaluated: 2017-01-19. Review status: criteria provided, single submitter. Criteria: EGL Classification Definitions 2015. Collection method: clinical testing. Allele origin: germline. Observed: 2 variant alleles, 2 heterozygotes.

Literature cited by the submitters: PubMed 31983221 (cited by Women's Health and Genetics/Laboratory Corporation of America, LabCorp).